The following is an entry in ClinVar:

ClinVar aggregate classification (germline): Conflicting classifications of pathogenicity. Review status: criteria provided, conflicting classifications (1 of 4 stars). 5 submissions from 5 submitters: Uncertain significance (4); Likely benign (1). Last evaluated 2026-07-01.

Conditions:
Inborn genetic diseases. Identifiers: MedGen C0950123, MeSH D030342.
Polyglucosan body myopathy type 1 (PGBM1). Also called: Polyglucosan body myopathy 1 with or without immunodeficiency; POLYGLUCOSAN BODY MYOPATHY WITHOUT IMMUNODEFICIENCY. Identifiers: Orphanet 329173, Orphanet 397937, MedGen C4014605, MONDO:0014389, OMIM 615895.

Allele frequency attached by ClinVar (database versions not stated): ExAC 0.00009; TOPMed 0.00002; gnomAD 0.00003; gnomAD exomes 0.00004.
gnomAD v4.1: 50 of 1,611,598 alleles (0.0031%); highest among the groups gnomAD compares: East Asian, 0.013%; no homozygotes.

Submissions (5):

CeGaT Center for Human Genetics Tuebingen
Classification: Likely benign. Last evaluated: 2026-07-01. Review status: criteria provided, single submitter. Criteria: CeGaT Center For Human Genetics Tuebingen Variant Classification Criteria Version 2. Collection method: clinical testing. Allele origin: germline. Affected: yes. Observed: 1 variant allele.
Comment: RBCK1: BP4

3billion
Classification: Uncertain significance for Polyglucosan body myopathy type 1. Last evaluated: 2025-02-07. Review status: criteria provided, single submitter. Criteria: ACMG Guidelines, 2015. Collection method: clinical testing. Allele origin: germline. Affected: yes.
Comment: The variant is observed at an extremely low frequency in the gnomAD v4.1.0 dataset (total allele frequency: 0.003%). Predicted Consequence/Location: Missense variant. The majority of the known disease-causing variants of this gene are variants expected to result in premature termination of the protein. The variant is in trans with the other variant. Therefore, this variant is classified as VUS according to the recommendation of ACMG/AMP guideline.

Labcorp Genetics (formerly Invitae), Labcorp
Classification: Uncertain significance for Polyglucosan body myopathy type 1. Last evaluated: 2024-04-30. Review status: criteria provided, single submitter. Criteria: Invitae Variant Classification Sherloc (09022015). Collection method: clinical testing. Allele origin: germline.
Comment: This sequence change replaces arginine, which is basic and polar, with tryptophan, which is neutral and slightly polar, at codon 429 of the RBCK1 protein (p.Arg429Trp). This variant is present in population databases (rs764244683, gnomAD 0.007%). This variant has not been reported in the literature in individuals affected with RBCK1-related conditions. ClinVar contains an entry for this variant (Variation ID: 656603). Advanced modeling of protein sequence and biophysical properties (such as structural, functional, and spatial information, amino acid conservation, physicochemical variation, residue mobility, and thermodynamic stability) performed at Invitae indicates that this missense variant is not expected to disrupt RBCK1 protein function with a negative predictive value of 80%. In summary, the available evidence is currently insufficient to determine the role of this variant in disease. Therefore, it has been classified as a Variant of Uncertain Significance.

Blueprint Genetics
Classification: Uncertain significance. Last evaluated: 2023-04-26. Review status: criteria provided, single submitter. Criteria: ACMG Guidelines, 2015. Collection method: clinical testing. Allele origin: germline.

Ambry Genetics
Classification: Uncertain significance for Inborn genetic diseases. Last evaluated: 2022-01-10. Review status: criteria provided, single submitter. Criteria: Ambry Variant Classification Scheme 2023. Collection method: clinical testing. Allele origin: germline.

NM_031229.4(RBCK1):c.1285C>T (p.Arg429Trp)

Gene: RBCK1 (RANBP2-type and C3HC4-type zinc finger containing 1; plus strand). Cytogenetic location: 20p13.
Variant type: single nucleotide variant.
Coding change: c.1285C>T on transcript NM_031229.4 (MANE Select); coding-DNA position 1285, C replaced by T.
Protein change: p.Arg429Trp; replaces arginine 429 with tryptophan.
Molecular consequence: missense variant. On other transcripts: non-coding transcript variant (1).
Genome position (GRCh38, 1-based): chr20:428,566, C>T. VCF-style: chr20-428566-C-T. GRCh37 (hg19) VCF-style: chr20-409210-C-T.
Other names: c.775C>T, p.Arg259Trp (NM_001323956.2, NM_001323958.2); c.1159C>T, p.Arg387Trp (NM_006462.6); c.1285C>T (NM_031229.2); short protein forms R387W, R259W, R429W.
Identifiers: ClinVar variation 656603 (VCV000656603.10), dbSNP rs764244683, ClinGen allele CA9723326.